The following is an entry in ClinVar:

ClinVar aggregate classification (germline): Uncertain significance (1 of 4 stars; one submission).

Conditions:
Dyskeratosis congenita, autosomal dominant 6 (DKCA6). Identifiers: Orphanet 3322, MedGen C4225284, MONDO:0014690, OMIM 616553.

Submission:

Labcorp Genetics (formerly Invitae), Labcorp
Classification: Uncertain significance for Dyskeratosis congenita, autosomal dominant 6. Last evaluated: 2025-08-11. Review status: criteria provided, single submitter. Criteria: Invitae Variant Classification Sherloc (09022015). Collection method: clinical testing. Allele origin: germline.
Comment: This sequence change replaces glutamine, which is neutral and polar, with arginine, which is basic and polar, at codon 516 of the ACD protein (p.Gln516Arg). This variant is not present in population databases (gnomAD no frequency). This variant has not been reported in the literature in individuals affected with ACD-related conditions. ClinVar contains an entry for this variant (Variation ID: 1938450). Invitae Evidence Modeling of protein sequence and biophysical properties (such as structural, functional, and spatial information, amino acid conservation, physicochemical variation, residue mobility, and thermodynamic stability) has been performed for this missense variant. However, the output from this modeling did not meet the statistical confidence thresholds required to predict the impact of this variant on ACD protein function. In summary, the available evidence is currently insufficient to determine the role of this variant in disease. Therefore, it has been classified as a Variant of Uncertain Significance.

NM_001082486.2(ACD):c.1289A>G (p.Gln430Arg)

Gene: ACD (ACD shelterin complex subunit and telomerase recruitment factor; minus strand). Cytogenetic location: 16q22.1.
Variant type: single nucleotide variant.
Coding change: c.1289A>G on transcript NM_001082486.2 (MANE Select); coding-DNA position 1289, A replaced by G.
Protein change: p.Gln430Arg; replaces glutamine 430 with arginine.
Molecular consequence: missense variant.
Genome position (GRCh38, 1-based): chr16:67,657,771, T>C on the plus strand (A>G on the coding strand, the complement: ACD is on the minus strand). VCF-style: chr16-67657771-T-C. GRCh37 (hg19) VCF-style: chr16-67691674-T-C.
Other names: c.1202A>G, p.Gln401Arg (NM_001410884.1); c.1280A>G, p.Gln427Arg (NM_022914.3); short protein forms Q430R, Q427R, Q401R.
Identifiers: ClinVar variation 1938450 (VCV001938450.5), dbSNP rs2543596616, ClinGen allele CA396349807.